The following is an entry in ClinVar:

ClinVar aggregate classification (germline): Uncertain significance. Review status: criteria provided, multiple submitters, no conflicts (2 of 4 stars). 2 submissions from 2 submitters: Uncertain significance (2). Last evaluated 2023-10-03.

Conditions:
Developmental and epileptic encephalopathy, 1 (DEE1). Also called: INFANTILE SPASM SYNDROME, X-LINKED 1; X-linked infantile spasms; West's syndrome; Tonic spasms with clustering, arrest of psychomotor development and hypsarrhythmia on EEG; X-Linked Infantile Spasm Syndrome; OHTAHARA SYNDROME, X-LINKED. Identifiers: MedGen C3463992, MONDO:0010632, OMIM 308350. Disease mechanism: loss of function.
Autosomal dominant nonsyndromic hearing loss 65. Also called: Deafness, autosomal dominant 65; TBC1D24-Related Autosomal Dominant Nonsyndromic Hearing Loss (DFNA). Identifiers: Orphanet 90635, MedGen C3892048, MONDO:0014470, OMIM 616044.

Allele frequency attached by ClinVar (database versions not stated): gnomAD exomes below 0.00001; ExAC 0.00001.
gnomAD v4.1: 4 of 1,613,600 alleles (0.00025%); highest among the groups gnomAD compares: South Asian, 0.0033%; no homozygotes.

Submissions (2):

Labcorp Genetics (formerly Invitae), Labcorp
Classification: Uncertain significance for Developmental and epileptic encephalopathy, 1; Autosomal dominant nonsyndromic hearing loss 65. Last evaluated: 2023-10-03. Review status: criteria provided, single submitter. Criteria: Invitae Variant Classification Sherloc (09022015). Collection method: clinical testing. Allele origin: germline.
Comment: This sequence change replaces isoleucine, which is neutral and non-polar, with valine, which is neutral and non-polar, at codon 62 of the TBC1D24 protein (p.Ile62Val). This variant is present in population databases (rs761822543, gnomAD 0.003%). This variant has not been reported in the literature in individuals affected with TBC1D24-related conditions. ClinVar contains an entry for this variant (Variation ID: 2436960). Advanced modeling of protein sequence and biophysical properties (such as structural, functional, and spatial information, amino acid conservation, physicochemical variation, residue mobility, and thermodynamic stability) performed at Invitae indicates that this missense variant is not expected to disrupt TBC1D24 protein function. In summary, the available evidence is currently insufficient to determine the role of this variant in disease. Therefore, it has been classified as a Variant of Uncertain Significance.

Revvity Omics, Revvity
Classification: Uncertain significance. Last evaluated: 2021-11-26. Review status: criteria provided, single submitter. Criteria: ACMG Guidelines, 2015. Collection method: clinical testing. Allele origin: germline.

NM_001199107.2(TBC1D24):c.184A>G (p.Ile62Val)

Gene: TBC1D24 (TBC1 domain family member 24; plus strand). Cytogenetic location: 16p13.3.
Variant type: single nucleotide variant.
Coding change: c.184A>G on transcript NM_001199107.2 (MANE Select); coding-DNA position 184, A replaced by G.
Protein change: p.Ile62Val; replaces isoleucine 62 with valine.
Molecular consequence: missense variant.
Genome position (GRCh38, 1-based): chr16:2,496,332, A>G. VCF-style: chr16-2496332-A-G. GRCh37 (hg19) VCF-style: chr16-2546333-A-G.
Other names: c.184A>G, p.Ile62Val (NM_020705.3); short protein forms I62V.
Identifiers: ClinVar variation 2436960 (VCV002436960.6), dbSNP rs761822543, ClinGen allele CA7843944.